The following is an entry in ClinVar:

ClinVar aggregate classification (germline): Uncertain significance. Review status: criteria provided, multiple submitters, no conflicts (2 of 4 stars). 2 submissions from 2 submitters: Uncertain significance (2). Last evaluated 2025-10-20.

Conditions:
Dyskeratosis congenita, autosomal dominant 2. Identifiers: MedGen C3151443, MONDO:0013521, OMIM 613989.
Idiopathic Pulmonary Fibrosis. Also called: Idiopathic fibrosing alveolitis, chronic form; idiopathic fibrosing alveolitis. Identifiers: Orphanet 2032, MedGen C1800706, MeSH D054990, MONDO:0800504.
Dyskeratosis congenita. Identifiers: Orphanet 1775, MedGen C0265965, MONDO:0015780.

gnomAD v4.1: 3 of 1,582,466 alleles (0.00019%); highest among the groups gnomAD compares: East Asian, 0.0023%; no homozygotes.

Submissions (2):

Ambry Genetics
Classification: Uncertain significance for Dyskeratosis congenita. Last evaluated: 2025-10-20. Review status: criteria provided, single submitter. Criteria: Ambry Variant Classification Scheme 2023. Collection method: clinical testing. Allele origin: germline.
Comment: The p.R293H variant (also known as c.878G>A), located in coding exon 2 of the TERT gene, results from a G to A substitution at nucleotide position 878. The arginine at codon 293 is replaced by histidine, an amino acid with highly similar properties. This amino acid position is not well conserved in available vertebrate species. In addition, this alteration is predicted to be tolerated by in silico analysis. Based on the available evidence, the clinical significance of this variant remains unclear.

Labcorp Genetics (formerly Invitae), Labcorp
Classification: Uncertain significance for Dyskeratosis congenita, autosomal dominant 2; Idiopathic Pulmonary Fibrosis. Last evaluated: 2023-08-02. Review status: criteria provided, single submitter. Criteria: Invitae Variant Classification Sherloc (09022015). Collection method: clinical testing. Allele origin: germline.
Comment: Algorithms developed to predict the effect of missense changes on protein structure and function output the following: SIFT: "Not Available"; PolyPhen-2: "Benign"; Align-GVGD: "Not Available". The histidine amino acid residue is found in multiple mammalian species, which suggests that this missense change does not adversely affect protein function. In summary, the available evidence is currently insufficient to determine the role of this variant in disease. Therefore, it has been classified as a Variant of Uncertain Significance. This variant has not been reported in the literature in individuals affected with TERT-related conditions. This variant is not present in population databases (gnomAD no frequency). This sequence change replaces arginine, which is basic and polar, with histidine, which is basic and polar, at codon 293 of the TERT protein (p.Arg293His).

NM_198253.3(TERT):c.878G>A (p.Arg293His)

Gene: TERT (telomerase reverse transcriptase; minus strand). Cytogenetic location: 5p15.33.
Variant type: single nucleotide variant.
Coding change: c.878G>A on transcript NM_198253.3 (MANE Select); coding-DNA position 878, G replaced by A.
Protein change: p.Arg293His; replaces arginine 293 with histidine.
Molecular consequence: missense variant. On other transcripts: non-coding transcript variant (2).
Genome position (GRCh38, 1-based): chr5:1,294,008, C>T on the plus strand (G>A on the coding strand, the complement: TERT is on the minus strand). VCF-style: chr5-1294008-C-T. GRCh37 (hg19) VCF-style: chr5-1294123-C-T.
Other names: c.878G>A, p.Arg293His (NM_001193376.3, NM_003219.1); short protein forms R293H.
Identifiers: ClinVar variation 2928034 (VCV002928034.4), dbSNP rs1309920442, ClinGen allele CA359056355.